The following is an entry in ClinVar:

NM_001258392.3(CLPB):c.709T>G (p.Cys237Gly)

Gene: CLPB (ClpB family mitochondrial disaggregase; minus strand). Cytogenetic location: 11q13.4.
Variant type: single nucleotide variant.
Coding change: c.709T>G on transcript NM_001258392.3 (MANE Select); coding-DNA position 709, T replaced by G.
Protein change: p.Cys237Gly; replaces cysteine 237 with glycine.
Molecular consequence: missense variant.
Genome position (GRCh38, 1-based): chr11:72,358,946, A>C on the plus strand (T>G on the coding strand, the complement: CLPB is on the minus strand). VCF-style: chr11-72358946-A-C. GRCh37 (hg19) VCF-style: chr11-72069990-A-C.
Other names: c.622T>G, p.Cys208Gly (NM_001258393.3); c.664T>G, p.Cys222Gly (NM_001258394.3); c.799T>G, p.Cys267Gly (NM_030813.6); short protein forms C208G, C222G, C237G, C267G.
Identifiers: ClinVar variation 2858644 (VCV002858644.3), dbSNP rs2495562570, ClinGen allele CA381962228.

ClinVar aggregate classification (germline): Uncertain significance (1 of 4 stars; one submission).

Conditions:
3-methylglutaconic aciduria, type VIIB (MGCA7B). Also called: CLPB Deficiency; 3-methylglutaconic aciduria with cataracts, neurologic involvement and neutropenia; 3-methylglutaconic aciduria, type VII, with cataracts, neurologic involvement and neutropenia. Identifiers: Orphanet 445038, MedGen C5676893, MONDO:0014561, OMIM 616271.

Submission:

Labcorp Genetics (formerly Invitae), Labcorp
Classification: Uncertain significance for 3-methylglutaconic aciduria, type VIIB. Last evaluated: 2023-04-23. Review status: criteria provided, single submitter. Criteria: Invitae Variant Classification Sherloc (09022015). Collection method: clinical testing. Allele origin: germline.
Comment: This variant has not been reported in the literature in individuals affected with CLPB-related conditions. This variant is not present in population databases (gnomAD no frequency). This sequence change replaces cysteine, which is neutral and slightly polar, with glycine, which is neutral and non-polar, at codon 267 of the CLPB protein (p.Cys267Gly). An algorithm developed to predict the effect of missense changes on protein structure and function (PolyPhen-2) suggests that this variant is likely to be tolerated. In summary, the available evidence is currently insufficient to determine the role of this variant in disease. Therefore, it has been classified as a Variant of Uncertain Significance.